The following is an entry in ClinVar:

NM_001035.3(RYR2):c.6703A>G (p.Arg2235Gly)

Gene: RYR2 (ryanodine receptor 2; plus strand). Cytogenetic location: 1q43.
Variant type: single nucleotide variant.
Coding change: c.6703A>G on transcript NM_001035.3 (MANE Select); coding-DNA position 6703, A replaced by G.
Protein change: p.Arg2235Gly; replaces arginine 2235 with glycine.
Molecular consequence: missense variant.
Genome position (GRCh38, 1-based): chr1:237,634,903, A>G. VCF-style: chr1-237634903-A-G. GRCh37 (hg19) VCF-style: chr1-237798203-A-G.
Other names: short protein forms R2235G.
Identifiers: ClinVar variation 4863725 (VCV004863725.1).
Genomic context (GRCh38, chr1:237,634,903, plus strand): 5'-TTACAGCACGATCCAGGTTATATTTCATCTTCATTTGAATTAATAGCCTCCCCAGCTATG[A>G]GAGGTTCAACACCACTGGATGTGGCTGCAGCTTCGGTGATGGATAATAATGAACTAGCAT-3'
Protein context (NP_001026.2, residues 2225-2245): SSVGLASPAM[Arg2235Gly]GSTPLDVAAA

ClinVar aggregate classification (germline): Uncertain significance (1 of 4 stars; one submission).

Conditions:
Cardiovascular phenotype. Identifiers: MedGen CN230736.

Submission:

Ambry Genetics
Classification: Uncertain significance for Cardiovascular phenotype. Last evaluated: 2026-05-24. Review status: criteria provided, single submitter. Criteria: Ambry Variant Classification Scheme 2023. Collection method: clinical testing. Allele origin: germline.
Comment: The p.R2235G variant (also known as c.6703A>G), located in coding exon 44 of the RYR2 gene, results from an A to G substitution at nucleotide position 6703. The arginine at codon 2235 is replaced by glycine, an amino acid with dissimilar properties. This amino acid position is conserved. In addition, this alteration is predicted to be deleterious by in silico analysis. Based on the available evidence, the clinical significance of this variant remains unclear.